The following is an entry in ClinVar:

NM_000722.4(CACNA2D1):c.1642G>C (p.Glu548Gln)

Gene: CACNA2D1 (calcium voltage-gated channel auxiliary subunit alpha2delta 1; minus strand). Cytogenetic location: 7q21.11.
Variant type: single nucleotide variant.
Coding change: c.1642G>C on transcript NM_000722.4 (MANE Select); coding-DNA position 1642, G replaced by C.
Protein change: p.Glu548Gln; replaces glutamic acid 548 with glutamine.
Molecular consequence: missense variant.
Genome position (GRCh38, 1-based): chr7:81,997,199, C>G on the plus strand (G>C on the coding strand, the complement: CACNA2D1 is on the minus strand). VCF-style: chr7-81997199-C-G. GRCh37 (hg19) VCF-style: chr7-81626515-C-G.
Other names: c.1699G>C, p.Glu567Gln (NM_001366867.1); short protein forms E567Q, E548Q.
Identifiers: ClinVar variation 2968664 (VCV002968664.4), dbSNP rs578023934, ClinGen allele CA4317962.

ClinVar aggregate classification (germline): Uncertain significance. Review status: criteria provided, multiple submitters, no conflicts (2 of 4 stars). 2 submissions from 2 submitters: Uncertain significance (2). Last evaluated 2025-04-23.

Conditions:
Brugada syndrome. Also called: Sudden unexpected nocturnal death syndrome; Sudden Unexplained Death Syndrome; Sudden unexplained nocturnal death syndrome; Sudden Unexplained Nocturnal Death Syndrome (SUNDS). Identifiers: Orphanet 130, MedGen C1142166, MONDO:0015263.
Cardiovascular phenotype. Identifiers: MedGen CN230736.

Allele frequency attached by ClinVar (database versions not stated): ExAC 0.00001; gnomAD 0.00001; 1000 Genomes Project 0.00020; 1000 Genomes Project 30x 0.00031.
gnomAD v4.1: 2 of 1,605,704 alleles (0.00012%); highest among the groups gnomAD compares: Admixed American, 0.0033%; no homozygotes.

Submissions (2):

Ambry Genetics
Classification: Uncertain significance for Cardiovascular phenotype. Last evaluated: 2025-04-23. Review status: criteria provided, single submitter. Criteria: Ambry Variant Classification Scheme 2023. Collection method: clinical testing. Allele origin: germline.
Comment: The p.E548Q variant (also known as c.1642G>C), located in coding exon 19 of the CACNA2D1 gene, results from a G to C substitution at nucleotide position 1642. The glutamic acid at codon 548 is replaced by glutamine, an amino acid with highly similar properties. This amino acid position is highly conserved in available vertebrate species. In addition, the in silico prediction for this alteration is inconclusive. The evidence for this gene-disease relationship is limited; therefore, the clinical significance of this alteration is unclear.

Labcorp Genetics (formerly Invitae), Labcorp
Classification: Uncertain significance for Brugada syndrome. Last evaluated: 2023-05-04. Review status: criteria provided, single submitter. Criteria: Invitae Variant Classification Sherloc (09022015). Collection method: clinical testing. Allele origin: germline.
Comment: An algorithm developed to predict the effect of missense changes on protein structure and function (PolyPhen-2) suggests that this variant is likely to be disruptive. This variant has not been reported in the literature in individuals affected with CACNA2D1-related conditions. This variant is present in population databases (rs578023934, gnomAD 0.003%). This sequence change replaces glutamic acid, which is acidic and polar, with glutamine, which is neutral and polar, at codon 548 of the CACNA2D1 protein (p.Glu548Gln). In summary, the available evidence is currently insufficient to determine the role of this variant in disease. Therefore, it has been classified as a Variant of Uncertain Significance.